The following is an entry in ClinVar:

ClinVar aggregate classification (germline): Uncertain significance (1 of 4 stars; one submission).

gnomAD v4.1: 1 of 1,208,677 alleles (0.000083%); highest among the groups gnomAD compares: Non-Finnish European, 0.00011%; no homozygotes.

Submission:

Labcorp Genetics (formerly Invitae), Labcorp
Classification: Uncertain significance. Last evaluated: 2025-07-31. Review status: criteria provided, single submitter. Criteria: Invitae Variant Classification Sherloc (09022015). Collection method: clinical testing. Allele origin: germline.
Comment: This sequence change replaces alanine, which is neutral and non-polar, with valine, which is neutral and non-polar, at codon 889 of the CACNA1F protein (p.Ala889Val). This variant is not present in population databases (gnomAD no frequency). This variant has not been reported in the literature in individuals affected with CACNA1F-related conditions. ClinVar contains an entry for this variant (Variation ID: 3647587). Invitae Evidence Modeling of protein sequence and biophysical properties (such as structural, functional, and spatial information, amino acid conservation, physicochemical variation, residue mobility, and thermodynamic stability) has been performed for this missense variant. However, the output from this modeling did not meet the statistical confidence thresholds required to predict the impact of this variant on CACNA1F protein function. In summary, the available evidence is currently insufficient to determine the role of this variant in disease. Therefore, it has been classified as a Variant of Uncertain Significance.

NM_001256789.3(CACNA1F):c.2633C>T (p.Ala878Val)

Gene: CACNA1F (calcium voltage-gated channel subunit alpha1 F; minus strand). Cytogenetic location: Xp11.23.
Variant type: single nucleotide variant.
Coding change: c.2633C>T on transcript NM_001256789.3 (MANE Select); coding-DNA position 2633, C replaced by T.
Protein change: p.Ala878Val; replaces alanine 878 with valine.
Molecular consequence: missense variant.
Genome position (GRCh38, 1-based): chrX:49,219,361, G>A on the plus strand (C>T on the coding strand, the complement: CACNA1F is on the minus strand). VCF-style: chrX-49219361-G-A. GRCh37 (hg19) VCF-style: chrX-49075820-G-A.
Other names: c.2471C>T, p.Ala824Val (NM_001256790.3); c.2666C>T, p.Ala889Val (NM_005183.4); short protein forms A878V, A889V, A824V.
Identifiers: ClinVar variation 3647587 (VCV003647587.2).
Genomic context (GRCh38, chrX:49,219,361, plus strand): 5'-GCTCCCAGCCAAAGGCTCACATGGTTGCGGAAGGAGTGGGCTCGGATGGGGTCCTCAGCG[G>A]CCAGGGACACACTGCTGAGGATGATGAACACCAGGATAAGATTGGTGAAGACATGATGGT-3'
Protein context (NP_001243718.1, residues 868-888): VFIILSSVSL[Ala878Val]AEDPIRAHSF